The following is an entry in ClinVar:

ClinVar aggregate classification (germline): Uncertain significance. Review status: criteria provided, multiple submitters, no conflicts (2 of 4 stars). 2 submissions from 2 submitters: Uncertain significance (2). Last evaluated 2025-03-27.

Conditions:
Epidermolysis bullosa simplex with nail dystrophy (EBS5D). Identifiers: MedGen C4225309, MONDO:0014661, OMIM 616487.
Epidermolysis bullosa simplex 5B, with muscular dystrophy (EBS5B). Also called: EPIDERMOLYSIS BULLOSA SIMPLEX AND LIMB-GIRDLE MUSCULAR DYSTROPHY; Epidermolysis bullosa simplex with muscular dystrophy. Identifiers: Orphanet 257, MedGen C2931072, MONDO:0009181, OMIM 226670.
Epidermolysis bullosa simplex, Ogna type (EBS5A). Also called: Pidermolysis bullosa simplex 5A, Ogna type; EPIDERMOLYSIS BULLOSA SIMPLEX 5A, OGNA TYPE. Identifiers: Orphanet 79401, MedGen C0432317, MONDO:0007555, OMIM 131950.
Autosomal recessive limb-girdle muscular dystrophy type 2Q (LGMDR17). Also called: MUSCULAR DYSTROPHY, LIMB-GIRDLE, AUTOSOMAL RECESSIVE 17. Identifiers: Orphanet 254361, MedGen C3150989, MONDO:0013390, OMIM 613723.
Epidermolysis bullosa simplex 5C, with pyloric atresia (EBS5C). Also called: PLEC-Related Epidermolysis Bullosa with Pyloric Atresia; Epidermolysis bullosa simplex with pyloric atresia; PLEC1-Related Epidermolysis Bullosa with Pyloric Atresia. Identifiers: Orphanet 158684, MedGen C2677349, MONDO:0012807, OMIM 612138.
Inborn genetic diseases. Identifiers: MedGen C0950123, MeSH D030342.

Allele frequency attached by ClinVar (database versions not stated): gnomAD 0.00001; gnomAD exomes 0.00001; TOPMed 0.00003; 1000 Genomes Project 30x 0.00016; 1000 Genomes Project 0.00020.
gnomAD v4.1: 10 of 1,546,660 alleles (0.00065%); highest among the groups gnomAD compares: African/African-American, 0.0027%; no homozygotes.

Submissions (2):

Ambry Genetics
Classification: Uncertain significance for Inborn genetic diseases. Last evaluated: 2025-03-27. Review status: criteria provided, single submitter. Criteria: Ambry Variant Classification Scheme 2023. Collection method: clinical testing. Allele origin: germline.

Labcorp Genetics (formerly Invitae), Labcorp
Classification: Uncertain significance for Autosomal recessive limb-girdle muscular dystrophy type 2Q; Epidermolysis bullosa simplex, Ogna type; Epidermolysis bullosa simplex with nail dystrophy; Epidermolysis bullosa simplex 5C, with pyloric atresia; Epidermolysis bullosa simplex 5B, with muscular dystrophy. Last evaluated: 2025-03-22. Review status: criteria provided, single submitter. Criteria: Invitae Variant Classification Sherloc (09022015). Collection method: clinical testing. Allele origin: germline.
Comment: This sequence change replaces alanine, which is neutral and non-polar, with threonine, which is neutral and polar, at codon 1818 of the PLEC protein (p.Ala1818Thr). This variant is present in population databases (rs563085221, gnomAD 0.03%). This variant has not been reported in the literature in individuals affected with PLEC-related conditions. ClinVar contains an entry for this variant (Variation ID: 538923). Invitae Evidence Modeling of protein sequence and biophysical properties (such as structural, functional, and spatial information, amino acid conservation, physicochemical variation, residue mobility, and thermodynamic stability) indicates that this missense variant is not expected to disrupt PLEC protein function with a negative predictive value of 80%. In summary, the available evidence is currently insufficient to determine the role of this variant in disease. Therefore, it has been classified as a Variant of Uncertain Significance.

NM_201384.3(PLEC):c.5371G>A (p.Ala1791Thr)

Gene: PLEC (plectin; minus strand). Cytogenetic location: 8q24.3.
Variant type: single nucleotide variant.
Coding change: c.5371G>A on transcript NM_201384.3 (MANE Select); coding-DNA position 5371, G replaced by A.
Protein change: p.Ala1791Thr; replaces alanine 1791 with threonine.
Molecular consequence: missense variant.
Genome position (GRCh38, 1-based): chr8:143,924,558, C>T on the plus strand (G>A on the coding strand, the complement: PLEC is on the minus strand). VCF-style: chr8-143924558-C-T. GRCh37 (hg19) VCF-style: chr8-144998726-C-T.
Other names: c.5452G>A, p.Ala1818Thr (NM_000445.5); c.5329G>A, p.Ala1777Thr (NM_201378.4); c.5305G>A, p.Ala1769Thr (NM_201379.3); c.5782G>A, p.Ala1928Thr (NM_201380.4); c.5275G>A, p.Ala1759Thr (NM_201381.3); c.5371G>A, p.Ala1791Thr (NM_201382.4); c.5383G>A, p.Ala1795Thr (NM_201383.3); c.5452G>A (NM_000445.3); short protein forms A1791T, A1777T, A1795T, A1928T, A1769T, A1818T, A1759T.
Identifiers: ClinVar variation 538923 (VCV000538923.7), dbSNP rs563085221, ClinGen allele CA187615799.